The following is an entry in ClinVar:

ClinVar aggregate classification (germline): Uncertain significance. Review status: criteria provided, multiple submitters, no conflicts (2 of 4 stars). 3 submissions from 3 submitters: Uncertain significance (3). Last evaluated 2025-08-31.

Conditions:
POLD1-related polyposis and colorectal cancer syndrome (CRCS10). Also called: Colorectal cancer 10; COLORECTAL CANCER, SUSCEPTIBILITY TO, ON CHROMOSOME 19q; Colorectal cancer, susceptibility to, 10. Identifiers: Orphanet 220460, MedGen C2675481, MONDO:0012953, OMIM 612591.
Hereditary cancer-predisposing syndrome. Also called: Neoplastic Syndromes, Hereditary; Hereditary neoplastic syndrome; Tumor predisposition; Hereditary Cancer Syndrome. Identifiers: Orphanet 140162, MedGen C0027672, MeSH D009386, MONDO:0015356.

Submissions (3):

Labcorp Genetics (formerly Invitae), Labcorp
Classification: Uncertain significance for POLD1-related polyposis and colorectal cancer syndrome. Last evaluated: 2025-08-31. Review status: criteria provided, single submitter. Criteria: Invitae Variant Classification Sherloc (09022015). Collection method: clinical testing. Allele origin: germline.
Comment: This variant, c.2979_2980insCAGCTCACGGGCAAG, results in the insertion of 5 amino acid(s) of the POLD1 protein (p.Thr993_Val994insGlnLeuThrGlyLys), but otherwise preserves the integrity of the reading frame. This variant is present in population databases (no rsID available, gnomAD 0.01%). This variant has not been reported in the literature in individuals affected with POLD1-related conditions. ClinVar contains an entry for this variant (Variation ID: 421852). In summary, the available evidence is currently insufficient to determine the role of this variant in disease. Therefore, it has been classified as a Variant of Uncertain Significance.

Ambry Genetics
Classification: Uncertain significance for Hereditary cancer-predisposing syndrome. Last evaluated: 2025-03-12. Review status: criteria provided, single submitter. Criteria: Ambry Variant Classification Scheme 2023. Collection method: clinical testing. Allele origin: germline.
Comment: The c.2979_2980ins15 variant (also known as p.T993_V994insQLTGK), located in coding exon 23 of the POLD1 gene, results from an in-frame 15 nucleotide insertion at nucleotide positions 2979 to 2980. This results in the insertion of QLTGK residues between codons 993 and 994. Based on the available evidence, the clinical significance of this variant remains unclear.

GeneDx
Classification: Uncertain significance. Last evaluated: 2024-09-30. Review status: criteria provided, single submitter. Criteria: GeneDx Variant Classification Process June 2021. Collection method: clinical testing. Allele origin: germline. Affected: yes.
Comment: Not observed at significant frequency in large population cohorts (gnomAD); In-frame insertion of 5 amino acid(s) in a non-repeat region; Has not been previously published as pathogenic or benign to our knowledge

NM_002691.4(POLD1):c.2979_2980insCAGCTCACGGGCAAG (p.Thr993_Val994insGlnLeuThrGlyLys)

Gene: POLD1 (DNA polymerase delta 1, catalytic subunit; plus strand). Cytogenetic location: 19q13.33.
Variant type: Insertion.
Coding change: c.2979_2980insCAGCTCACGGGCAAG on transcript NM_002691.4 (MANE Select); coding-DNA positions 2979 to 2980, CAGCTCACGGGCAAG inserted.
Protein change: p.Thr993_Val994insGlnLeuThrGlyLys.
Molecular consequence: inframe insertion. On other transcripts: non-coding transcript variant (1).
Genome position: GRCh38 VCF-style: chr19-50416634-C-CGCAGCTCACGGGCAA. GRCh37 (hg19) VCF-style: chr19-50919891-C-CGCAGCTCACGGGCAA.
Other names: c.2979_2980insCAGCTCACGGGCAAG, p.Thr993_Val994insGlnLeuThrGlyLys (NM_001256849.1); c.3057_3058insCAGCTCACGGGCAAG, p.Thr1019_Val1020insGlnLeuThrGlyLys (NM_001308632.1); c.2979_2980insCAGCTCACGGGCAAG (NM_002691.2).
Identifiers: ClinVar variation 421852 (VCV000421852.9), dbSNP rs1064795402, ClinGen allele CA16620902.
Genomic context (GRCh38, chr19:50,416,634, plus strand): 5'-AGATCACCGGCCCACCACCTGCCTCCTCTCCTGCAGGGGGGGACCACACGCGCTGCAAGA[C>CGCAGCTCACGGGCAA]GGTGCTCACGGGCAAGGTGGGCGGCCTCCTGGCCTTCGCCAAACGCCGCAACTGCTGCAT-3'